The following is an entry in ClinVar:

NM_032119.4(ADGRV1):c.18518G>A (p.Gly6173Glu)

Gene: ADGRV1 (adhesion G protein-coupled receptor V1; plus strand). Cytogenetic location: 5q14.3.
Variant type: single nucleotide variant.
Coding change: c.18518G>A on transcript NM_032119.4 (MANE Select); coding-DNA position 18518, G replaced by A.
Protein change: p.Gly6173Glu; replaces glycine 6173 with glutamic acid.
Molecular consequence: missense variant. On other transcripts: non-coding transcript variant (1).
Genome position (GRCh38, 1-based): chr5:91,150,115, G>A. VCF-style: chr5-91150115-G-A. GRCh37 (hg19) VCF-style: chr5-90445932-G-A.
Other names: short protein forms G6173E.
Identifiers: ClinVar variation 1460613 (VCV001460613.6), dbSNP rs2126893820, ClinGen allele CA360432189.

ClinVar aggregate classification (germline): Uncertain significance (1 of 4 stars; one submission).

Submission:

Labcorp Genetics (formerly Invitae), Labcorp
Classification: Uncertain significance. Last evaluated: 2022-07-18. Review status: criteria provided, single submitter. Criteria: Invitae Variant Classification Sherloc (09022015). Collection method: clinical testing. Allele origin: germline.
Comment: In summary, the available evidence is currently insufficient to determine the role of this variant in disease. Therefore, it has been classified as a Variant of Uncertain Significance. Algorithms developed to predict the effect of missense changes on protein structure and function are either unavailable or do not agree on the potential impact of this missense change (SIFT: "Deleterious"; PolyPhen-2: "Probably Damaging"; Align-GVGD: "Class C0"). ClinVar contains an entry for this variant (Variation ID: 1460613). This variant has not been reported in the literature in individuals affected with ADGRV1-related conditions. This variant is not present in population databases (gnomAD no frequency). This sequence change replaces glycine, which is neutral and non-polar, with glutamic acid, which is acidic and polar, at codon 6173 of the ADGRV1 protein (p.Gly6173Glu).